The following is an entry in ClinVar:

NM_005708.5(GPC6):c.1464A>G (p.Thr488=)

Gene: GPC6 (glypican 6; plus strand). Cytogenetic location: 13q31.3.
Variant type: single nucleotide variant.
Coding change: c.1464A>G on transcript NM_005708.5 (MANE Select); coding-DNA position 1464, A replaced by G.
Protein change: p.Thr488=; no amino-acid change (threonine 488 retained).
Molecular consequence: synonymous variant.
Genome position (GRCh38, 1-based): chr13:94,398,640, A>G. VCF-style: chr13-94398640-A-G. GRCh37 (hg19) VCF-style: chr13-95050894-A-G.
Identifiers: ClinVar variation 1410975 (VCV001410975.3), dbSNP rs779853988, ClinGen allele CA7017182.

ClinVar aggregate classification (germline): Uncertain significance (1 of 4 stars; one submission).

Allele frequency attached by ClinVar (database versions not stated): ExAC 0.00001; gnomAD exomes 0.00001 and 0.00004; TOPMed 0.00001; gnomAD 0.00002.
gnomAD v4.1: 58 of 1,613,740 alleles (0.0036%); highest among the groups gnomAD compares: Middle Eastern, 0.016%; no homozygotes.

Submission:

Labcorp Genetics (formerly Invitae), Labcorp
Classification: Uncertain significance. Last evaluated: 2021-09-19. Review status: criteria provided, single submitter. Criteria: Invitae Variant Classification Sherloc (09022015). Collection method: clinical testing. Allele origin: germline.
Comment: This sequence change affects codon 488 of the GPC6 mRNA. It is a 'silent' change, meaning that it does not change the encoded amino acid sequence of the GPC6 protein. It affects a nucleotide within the consensus splice site of the intron. This variant is present in population databases (rs779853988, ExAC 0.002%). This variant has not been reported in the literature in individuals affected with GPC6-related conditions. Algorithms developed to predict the effect of sequence changes on RNA splicing suggest that this variant is not likely to affect RNA splicing. In summary, the available evidence is currently insufficient to determine the role of this variant in disease. Therefore, it has been classified as a Variant of Uncertain Significance.